The following is an entry in ClinVar:

NM_020937.4(FANCM):c.954G>T (p.Arg318Ser)

Gene: FANCM (FA complementation group M; plus strand). Cytogenetic location: 14q21.2.
Variant type: single nucleotide variant.
Coding change: c.954G>T on transcript NM_020937.4 (MANE Select); coding-DNA position 954, G replaced by T.
Protein change: p.Arg318Ser; replaces arginine 318 with serine.
Molecular consequence: missense variant.
Genome position (GRCh38, 1-based): chr14:45,151,432, G>T. VCF-style: chr14-45151432-G-T. GRCh37 (hg19) VCF-style: chr14-45620635-G-T.
Other names: c.876G>T, p.Arg292Ser (NM_001308133.2); c.954G>T, p.Arg318Ser (NM_001308134.2); short protein forms R318S, R292S.
Identifiers: ClinVar variation 4254623 (VCV004254623.1).

ClinVar aggregate classification (germline): Uncertain significance (1 of 4 stars; one submission).

Conditions:
Inborn genetic diseases. Identifiers: MedGen C0950123, MeSH D030342.

gnomAD v4.1: 1 of 1,613,448 alleles (0.000062%); highest among the groups gnomAD compares: Admixed American, 0.0017%; no homozygotes.

Submission:

Ambry Genetics
Classification: Uncertain significance for Inborn genetic diseases. Last evaluated: 2025-07-28. Review status: criteria provided, single submitter. Criteria: Ambry Variant Classification Scheme 2023. Collection method: clinical testing. Allele origin: germline.
Comment: The p.R318S variant (also known as c.954G>T), located in coding exon 5 of the FANCM gene, results from a G to T substitution at nucleotide position 954. The arginine at codon 318 is replaced by serine, an amino acid with dissimilar properties. This amino acid position is conserved. In addition, this alteration is predicted to be tolerated by in silico analysis. Based on the available evidence, the clinical significance of this variant remains unclear.